The following is an entry in ClinVar:

NM_001365276.2(TNXB):c.2737G>A (p.Gly913Ser)

Gene: TNXB (tenascin XB; minus strand). Cytogenetic location: 6p21.33.
Variant type: single nucleotide variant.
Coding change: c.2737G>A on transcript NM_001365276.2 (MANE Select); coding-DNA position 2737, G replaced by A.
Protein change: p.Gly913Ser; replaces glycine 913 with serine.
Molecular consequence: missense variant.
Genome position (GRCh38, 1-based): chr6:32,088,827, C>T on the plus strand (G>A on the coding strand, the complement: TNXB is on the minus strand). VCF-style: chr6-32088827-C-T. GRCh37 (hg19) VCF-style: chr6-32056604-C-T.
Other names: c.2737G>A, p.Gly913Ser (NM_001428335.1, NM_019105.8); short protein forms G913S.
Identifiers: ClinVar variation 3227257 (VCV003227257.1), dbSNP rs754349454, ClinGen allele CA3735421.

ClinVar aggregate classification (germline): Uncertain significance (1 of 4 stars; one submission).

Conditions:
Cardiovascular phenotype. Identifiers: MedGen CN230736.

Allele frequency attached by ClinVar (database versions not stated): gnomAD exomes below 0.00001; gnomAD 0.00001; ExAC 0.00003.
gnomAD v4.1: 2 of 1,580,922 alleles (0.00013%); highest among the groups gnomAD compares: African/African-American, 0.0013%; no homozygotes.

Submission:

Ambry Genetics
Classification: Uncertain significance for Cardiovascular phenotype. Last evaluated: 2023-09-24. Review status: criteria provided, single submitter. Criteria: Ambry Variant Classification Scheme 2023. Collection method: clinical testing. Allele origin: germline.
Comment: The p.G913S variant (also known as c.2737G>A), located in coding exon 5 of the TNXB gene, results from a G to A substitution at nucleotide position 2737. The glycine at codon 913 is replaced by serine, an amino acid with similar properties. This amino acid position is conserved. In addition, this alteration is predicted to be tolerated by in silico analysis. Since supporting evidence is limited at this time, the clinical significance of this alteration remains unclear.